The following is an entry in ClinVar:

ClinVar aggregate classification (germline): Likely pathogenic (1 of 4 stars; one submission).

Conditions:
Hereditary cancer-predisposing syndrome. Also called: Neoplastic Syndromes, Hereditary; Tumor predisposition; Hereditary neoplastic syndrome; Hereditary Cancer Syndrome. Identifiers: Orphanet 140162, MedGen C0027672, MeSH D009386, MONDO:0015356.
Cardiovascular phenotype. Identifiers: MedGen CN230736.

Submission:

Ambry Genetics
Classification: Likely pathogenic for Cardiovascular phenotype; Hereditary cancer-predisposing syndrome. Last evaluated: 2024-01-05. Review status: criteria provided, single submitter. Criteria: Ambry Variant Classification Scheme 2023. Collection method: clinical testing. Allele origin: germline.
Comment: The c.1943-1G>T intronic variant results from a G to T substitution one nucleotide upstream from coding exon 17 of the LZTR1 gene. This variant is considered to be rare based on population cohorts in the Genome Aggregation Database (gnomAD). This nucleotide position is highly conserved in available vertebrate species. In silico splice site analysis predicts that this alteration will weaken the native splice acceptor site and may result in the creation or strengthening of a novel splice acceptor site. Alterations that disrupt the canonical splice site are expected to cause aberrant splicing, resulting in an abnormal protein or a transcript that is subject to nonsense-mediated mRNA decay. Loss-of-function variants in LZTR1 are related to an increased risk for schwannomas and autosomal recessive Noonan syndrome; however, such associations with autosomal dominant Noonan syndrome have not been observed (Piotrowski A et al. Nat Genet. 2014 Feb;46:182-7; Yamamoto GL et al. J Med Genet. 2015 Jun;52:413-21; Johnston JJ et al. Genet Med. 2018 10;20:1175-1185). Based on the supporting evidence, this variant is likely pathogenic for an increased risk of LZTR1-related schwannomatosis (SWN) and would be expected to cause autosomal recessive Noonan syndrome when present along with a second pathogenic or likely pathogenic variant on the other allele; however, the association of this alteration with autosomal dominant Noonan syndrome is unlikely.

NM_006767.4(LZTR1):c.1943-1G>T

Gene: LZTR1 (leucine zipper like post translational regulator 1; plus strand). Cytogenetic location: 22q11.21.
Variant type: single nucleotide variant.
Coding change: c.1943-1G>T on transcript NM_006767.4 (MANE Select); the canonical splice acceptor site of the intron before coding-DNA position 1943, G replaced by T.
Molecular consequence: splice acceptor variant.
Genome position (GRCh38, 1-based): chr22:20,995,745, G>T. VCF-style: chr22-20995745-G-T. GRCh37 (hg19) VCF-style: chr22-21350034-G-T.
Identifiers: ClinVar variation 3238172 (VCV003238172.1), dbSNP rs1189015572.